The following is an entry in ClinVar:

ClinVar aggregate classification (germline): Uncertain significance (1 of 4 stars; one submission).

Conditions:
Inborn genetic diseases. Identifiers: MedGen C0950123, MeSH D030342.

gnomAD v4.1: 2 of 1,486,732 alleles (0.00013%); highest among the groups gnomAD compares: Non-Finnish European, 0.00018%; no homozygotes.

Submission:

Ambry Genetics
Classification: Uncertain significance for Inborn genetic diseases. Last evaluated: 2026-01-13. Review status: criteria provided, single submitter. Criteria: Ambry Variant Classification Scheme 2023. Collection method: clinical testing. Allele origin: germline.
Comment: The p.E36A variant (also known as c.107A>C), located in coding exon 2 of the RECQL4 gene, results from an A to C substitution at nucleotide position 107. The glutamic acid at codon 36 is replaced by alanine, an amino acid with dissimilar properties. This amino acid position is conserved. In addition, this alteration is predicted to be tolerated by in silico analysis. Based on the available evidence, the clinical significance of this variant remains unclear.

NM_004260.4(RECQL4):c.107A>C (p.Glu36Ala)

Genes: RECQL4 (RecQ like helicase 4; minus strand), LOC130001411 (ATAC-STARR-seq lymphoblastoid silent region 19699; plus strand). Cytogenetic location: 8q24.3.
Variant type: single nucleotide variant.
Coding change: c.107A>C on transcript NM_004260.4 (MANE Select); coding-DNA position 107, A replaced by C.
Protein change: p.Glu36Ala; replaces glutamic acid 36 with alanine.
Molecular consequence: missense variant. On other transcripts: 5 prime UTR variant (17), non-coding transcript variant (3), intron variant (1).
Genome position (GRCh38, 1-based): chr8:144,517,613, T>G on the plus strand (A>C on the coding strand, the complement: RECQL4 is on the minus strand). VCF-style: chr8-144517613-T-G. GRCh37 (hg19) VCF-style: chr8-145742997-T-G.
Other names: c.107A>C, p.Glu36Ala (NM_001413017.1, NM_001413018.1, NM_001413019.1 and 5 more transcripts); c.-614A>C (NM_001413021.1); c.-965A>C (NM_001413022.1, NM_001413023.1, NM_001413037.1 and 2 more transcripts); c.-862A>C (NM_001413024.1, NM_001413035.1); c.-1027A>C (NM_001413027.1, NM_001413030.1, NM_001413031.1 and 1 more transcripts); c.-690A>C (NM_001413028.1); c.-924A>C (NM_001413032.1); c.-869A>C (NM_001413034.1); and 3 more; short protein forms E36A.
Identifiers: ClinVar variation 4841574 (VCV004841574.1).